The following is an entry in ClinVar:

ClinVar aggregate classification (germline): Pathogenic. Review status: criteria provided, multiple submitters, no conflicts (2 of 4 stars). 6 submissions from 6 submitters: Pathogenic (5). 1 of the submissions does not count toward it. Last evaluated 2025-11-10.

Conditions:
Alport syndrome. Also called: Hemorrhagic familial nephritis; Hemorrhagic hereditary nephritis; Congenital hereditary hematuria. Identifiers: Orphanet 63, MedGen C1567741, MONDO:0018965.
X-linked Alport syndrome (ATS1). Also called: NEPHROPATHY AND DEAFNESS, X-LINKED; COL4A5-Related Nephropathy. Identifiers: Orphanet 63, Orphanet 88917, MedGen C4746986, MONDO:0010520, OMIM 301050.

Submissions (6):

GeneDx
Classification: Pathogenic. Last evaluated: 2025-11-10. Review status: criteria provided, single submitter. Criteria: GeneDx Variant Classification Process June 2021. Collection method: clinical testing. Allele origin: germline. Affected: yes.
Comment: Nonsense variant predicted to result in protein truncation or nonsense mediated decay in a gene for which loss of function is a known mechanism of disease; Not observed at significant frequency in large population cohorts (gnomAD); This variant is associated with the following publications: (PMID: 37100867, 17396119, 15954103, 39907758, 25525159, 33878711, 33330536, 31328266, 37225412, 31738409, 15780079)

Labcorp Genetics (formerly Invitae), Labcorp
Classification: Pathogenic. Last evaluated: 2025-05-04. Review status: criteria provided, single submitter. Criteria: Invitae Variant Classification Sherloc (09022015). Collection method: clinical testing. Allele origin: germline.
Comment: This sequence change creates a premature translational stop signal (p.Arg266*) in the COL4A5 gene. It is expected to result in an absent or disrupted protein product. Loss-of-function variants in COL4A5 are known to be pathogenic (PMID: 9195222, 10752524, 14514738, 24854265, 26809805). This variant is not present in population databases (gnomAD no frequency). This premature translational stop signal has been observed in individuals with Alport syndrome (PMID: 15780079, 17396119, 29854973). ClinVar contains an entry for this variant (Variation ID: 24325). For these reasons, this variant has been classified as Pathogenic.

ARUP Laboratories, Molecular Genetics and Genomics, ARUP Laboratories
Classification: Pathogenic for X-linked Alport syndrome. Last evaluated: 2024-12-23. Review status: criteria provided, single submitter. Criteria: ARUP Molecular Germline Variant Investigation Process 2024. Collection method: clinical testing. Allele origin: germline.
Comment: The COL4A5 c.796C>T; p.Arg266Ter variant (rs104886071) is reported in the literature in several heterozygous and hemizygous individuals with symptoms of Alport syndrome (Gillion 2018, Kim 2023, Mastrangelo 2020, Nagel 2005, Rao 2019, Slajpah 2007, Wang 2005). This variant is reported as pathogenic in ClinVar (Variation ID: 24325). This variant is also absent from the Genome Aggregation Database (v2.1.1), indicating it is not a common polymorphism. This variant induces an early termination codon and is predicted to result in a truncated protein or mRNA subject to nonsense-mediated decay. Based on available information, this variant is considered to be pathogenic. References: Gillion V et al. Genotype and Outcome After Kidney Transplantation in Alport Syndrome. Kidney Int Rep. 2018 Feb 2;3(3):652-660. PMID: 29854973. Kim JH et al. Genotype-phenotype correlation of X-linked Alport syndrome observed in both genders: a multicenter study in South Korea. Sci Rep. 2023 Apr 26;13(1):6827. PMID: 37100867. Mastrangelo A et al. X-Linked Alport Syndrome in Women: Genotype and Clinical Course in 24 Cases. Front Med (Lausanne). 2020 Nov 23;7:580376. PMID: 33330536. Nagel M et al. Novel COL4A5, COL4A4, and COL4A3 mutations in Alport syndrome. Hum Mutat. 2005 Jul;26(1):60. PMID: 15954103. Rao J et al. Genetic spectrum of renal disease for 1001 Chinese children based on a multicenter registration system. Clin Genet. 2019 Nov;96(5):402-410. PMID: 31328266. Slajpah M et al. Sixteen novel mutations identified in COL4A3, COL4A4, and COL4A5 genes in Slovenian families with Alport syndrome and benign familial hematuria. Kidney Int. 2007 Jun;71(12):1287-95. PMID: 17396119. Wang F et al. Detection of mutations in the COL4A5 gene by analyzing cDNA of skin fibroblasts. Kidney Int. 2005 Apr;67(4):1268-74. PMID: 15780079.

Fulgent Genetics
Classification: Pathogenic for X-linked Alport syndrome. Last evaluated: 2024-04-03. Review status: criteria provided, single submitter. Criteria: ACMG Guidelines, 2015. Collection method: clinical testing. Allele origin: germline.

Athena Diagnostics
Classification: Pathogenic. Last evaluated: 2017-07-20. Review status: criteria provided, single submitter. Criteria: Athena Diagnostics Criteria. Collection method: clinical testing. Allele origin: germline.

Sydney Genome Diagnostics, Children's Hospital Westmead
Classification: Pathogenic for Alport syndrome. Last evaluated: 2018-09-10. Review status: no assertion criteria provided. Collection method: clinical testing. Allele origin: unknown. Affected: yes. Observed: 1 variant allele, 1 heterozygote. Not counted in ClinVar's aggregate classification.
Comment: This variant (dbSNP: rs104886071) creates a premature stop codon (p.Arg266*) and may result in a null allele due to nonsense-mediated mRNA decay. This variant has been previously reported in the COL4A5 Alport database and is considered to be pathogenic.

Literature cited by the submitters: PubMed 9195222 (cited by Labcorp Genetics (formerly Invitae), Labcorp); PubMed 10752524 (cited by Labcorp Genetics (formerly Invitae), Labcorp); PubMed 14514738 (cited by Labcorp Genetics (formerly Invitae), Labcorp); PubMed 24854265 (cited by Labcorp Genetics (formerly Invitae), Labcorp); PubMed 26809805 (cited by Labcorp Genetics (formerly Invitae), Labcorp); PubMed 15780079 (cited by Labcorp Genetics (formerly Invitae), Labcorp and Athena Diagnostics); PubMed 17396119 (cited by Labcorp Genetics (formerly Invitae), Labcorp and Athena Diagnostics); PubMed 29854973 (cited by Labcorp Genetics (formerly Invitae), Labcorp); PubMed 25525159 (cited by Athena Diagnostics); PubMed 15954103 (cited by Athena Diagnostics).

NM_033380.3(COL4A5):c.796C>T (p.Arg266Ter)

Gene: COL4A5 (collagen type IV alpha 5 chain; plus strand). Cytogenetic location: Xq22.3.
Variant type: single nucleotide variant.
Coding change: c.796C>T on transcript NM_033380.3 (MANE Select); coding-DNA position 796, C replaced by T.
Protein change: p.Arg266Ter; replaces arginine 266 with a stop codon.
Molecular consequence: nonsense.
Genome position (GRCh38, 1-based): chrX:108,580,548, C>T. VCF-style: chrX-108580548-C-T. GRCh37 (hg19) VCF-style: chrX-107823778-C-T.
Other names: c.796C>T, p.Arg266Ter (NM_000495.5); short protein forms R266*.
Identifiers: ClinVar variation 24325 (VCV000024325.20), dbSNP rs104886071, ClinGen allele CA258328.
Genomic context (GRCh38, chrX:108,580,548, plus strand): 5'-TGTTCCAGTATTAACATTGATTTCCTTTCCCCTACTACTGCATAGGGACTTCCTGGTGAC[C>T]GAGGGCCTCCTGGACCTCCAGGGATACGTGGTCCTCCAGTAAGTACCTAAAGTGCTTTAG-3'